The following is an entry in ClinVar:

NM_001908.5(CTSB):c.571G>A (p.Val191Ile)

Gene: CTSB (cathepsin B). Cytogenetic location: 8p23.1.
Variant type: single nucleotide variant.
Coding change: c.571G>A on transcript NM_001908.5 (MANE Select); coding-DNA position 571, G replaced by A.
Protein change: p.Val191Ile; replaces valine 191 with isoleucine.
Molecular consequence: missense variant.
Genome position (GRCh38, 1-based): chr8:11,847,784, C>T on the plus strand (G>A on the coding strand, the complement: CTSB is on the minus strand). VCF-style: chr8-11847784-C-T. GRCh37 (hg19) VCF-style: chr8-11705293-C-T.
Other names: c.199G>A, p.Val67Ile (NM_001317237.2); c.571G>A, p.Val191Ile (NM_001384714.1, NM_001384723.1, NM_001384724.1 and 8 more transcripts); short protein forms V191I, V67I.
Identifiers: ClinVar variation 1492718 (VCV001492718.6), dbSNP rs984397185, ClinGen allele CA4632705.
Genomic context (GRCh38, chr8:11,847,784, plus strand): 5'-AGATCTTGCTACACTTGGGGGTATCTCCCTCCCCCGTGCATGGGGGCCGGGAGCCGTTGA[C>T]GTGGTGCTCACAGGGAGGGATGGAGTACGGTCTGCACCCTGATGGGACGCGGGAGAAAGC-3'
Protein context (NP_001899.1, residues 181-201): PYSIPPCEHH[Val191Ile]NGSRPPCTGE

ClinVar aggregate classification (germline): Uncertain significance (1 of 4 stars; one submission).

Allele frequency attached by ClinVar (database versions not stated): gnomAD exomes 0.00001 and 0.00004; ExAC 0.00003; gnomAD 0.00003 and 0.00004.

Submission:

Labcorp Genetics (formerly Invitae), Labcorp
Classification: Uncertain significance. Last evaluated: 2022-06-13. Review status: criteria provided, single submitter. Criteria: Invitae Variant Classification Sherloc (09022015). Collection method: clinical testing. Allele origin: germline.
Comment: This variant has not been reported in the literature in individuals affected with CTSB-related conditions. In summary, the available evidence is currently insufficient to determine the role of this variant in disease. Therefore, it has been classified as a Variant of Uncertain Significance. Algorithms developed to predict the effect of missense changes on protein structure and function are either unavailable or do not agree on the potential impact of this missense change (SIFT: "Not Available"; PolyPhen-2: "Benign"; Align-GVGD: "Not Available"). This variant is present in population databases (no rsID available, gnomAD 0.007%). This sequence change replaces valine, which is neutral and non-polar, with isoleucine, which is neutral and non-polar, at codon 191 of the CTSB protein (p.Val191Ile).